The following is an entry in ClinVar:

ClinVar aggregate classification (germline): Uncertain significance (1 of 4 stars; one submission).

Submission:

Labcorp Genetics (formerly Invitae), Labcorp
Classification: Uncertain significance. Last evaluated: 2023-08-04. Review status: criteria provided, single submitter. Criteria: Invitae Variant Classification Sherloc (09022015). Collection method: clinical testing. Allele origin: germline.
Comment: In summary, the available evidence is currently insufficient to determine the role of this variant in disease. Therefore, it has been classified as a Variant of Uncertain Significance. Variants that disrupt the consensus splice site are a relatively common cause of aberrant splicing (PMID: 17576681, 9536098). Algorithms developed to predict the effect of sequence changes on RNA splicing suggest that this variant may disrupt the consensus splice site. ClinVar contains an entry for this variant (Variation ID: 847808). This variant has not been reported in the literature in individuals affected with LRP5-related conditions. This variant is not present in population databases (gnomAD no frequency). This sequence change falls in intron 21 of the LRP5 gene. It does not directly change the encoded amino acid sequence of the LRP5 protein. It affects a nucleotide within the consensus splice site.

Literature cited by the submitters: PubMed 17576681; PubMed 9536098.

NM_002335.4(LRP5):c.4488+4A>T

Gene: LRP5 (LDL receptor related protein 5; plus strand). Cytogenetic location: 11q13.2.
Variant type: single nucleotide variant.
Coding change: c.4488+4A>T on transcript NM_002335.4 (MANE Select); 4 bases into the intron after coding-DNA position 4488, A replaced by T.
Molecular consequence: intron variant.
Genome position (GRCh38, 1-based): chr11:68,439,920, A>T. VCF-style: chr11-68439920-A-T. GRCh37 (hg19) VCF-style: chr11-68207388-A-T.
Other names: c.2745+4A>T (NM_001291902.2).
Identifiers: ClinVar variation 847808 (VCV000847808.5), dbSNP rs1591330254, ClinGen allele CA916083256.
Genomic context (GRCh38, chr11:68,439,920, plus strand): 5'-GTCACAGGGGCCTCGTCCAGCAGCTCGTCCAGCACGAAGGCCACGCTGTACCCGCCGGTG[A>T]GGGGCGGGGCCGGGGAGGGGCGGGGCGGGATGGGGCTGTGGGCCCCTCCCACCGTCAGTG-3'